The following is an entry in ClinVar:

NM_001267550.2(TTN):c.77421_77422del (p.Tyr25807_Ser25808delinsTer)

Genes: TTN (titin; minus strand), TTN-AS1 (TTN antisense RNA 1; plus strand). Cytogenetic location: 2q31.2.
Variant type: Deletion.
Coding change: c.77421_77422del on transcript NM_001267550.2 (MANE Select); coding-DNA positions 77421 to 77422, 2 bases deleted (CA; older notation c.77421_77422delCA).
Protein change: p.Tyr25807_Ser25808delinsTer.
Molecular consequence: nonsense.
Genome position (GRCh38, 1-based): chr2:178,568,710-178,568,711, TG deleted on the plus strand (CA on the coding strand, the reverse complement: TTN is on the minus strand); deleting any 2 consecutive bases within chr2:178,568,710-178,568,712 gives the same sequence; the c. name uses the placement nearest the transcript's 3' end. VCF-style (leftmost placement, unchanged base first): chr2-178568709-CTG-C. GRCh37 (hg19) VCF-style: chr2-179433436-CTG-C.
Other names: c.72498_72499del, p.Tyr24166_Ser24167delinsTer (NM_001256850.1); c.50226_50227del, p.Tyr16742_Ser16743delinsTer (NM_003319.4); c.69717_69718del, p.Tyr23239_Ser23240delinsTer (NM_133378.4); c.50601_50602del, p.Tyr16867_Ser16868delinsTer (NM_133432.3); c.50802_50803del, p.Tyr16934_Ser16935delinsTer (NM_133437.4).
Identifiers: ClinVar variation 3759415 (VCV003759415.2).

ClinVar aggregate classification (germline): Likely pathogenic (1 of 4 stars; one submission).

Conditions:
Dilated cardiomyopathy 1G (CMD1G). Identifiers: Orphanet 154, MedGen C1858763, MONDO:0011400, OMIM 604145.
Autosomal recessive limb-girdle muscular dystrophy type 2J (LGMDR10). Also called: Limb-girdle muscular dystrophy, type 2J; MUSCULAR DYSTROPHY, LIMB-GIRDLE, AUTOSOMAL RECESSIVE 10. Identifiers: Orphanet 140922, MedGen C1837342, MONDO:0012127, OMIM 608807.

Submission:

Labcorp Genetics (formerly Invitae), Labcorp
Classification: Likely pathogenic for Dilated cardiomyopathy 1G; Autosomal recessive limb-girdle muscular dystrophy type 2J. Last evaluated: 2024-10-09. Review status: criteria provided, single submitter. Criteria: Invitae Variant Classification Sherloc (09022015). Collection method: clinical testing. Allele origin: germline.
Comment: This sequence change creates a premature translational stop signal (p.Tyr25807*) in the TTN gene. While this is not anticipated to result in nonsense mediated decay, it is expected to create a truncated TTN protein. This variant is not present in population databases (gnomAD no frequency). This premature translational stop signal has been observed in individual(s) with sudden cardiac death (PMID: 31727422). This variant is also known as p.Tyr23239Ter. This variant is located in the A band of TTN (PMID: 25589632). Truncating variants in this region are significantly overrepresented in patients affected with dilated cardiomyopathy (PMID: 25589632). Truncating variants in this region have also been reported in individuals affected with autosomal recessive centronuclear myopathy (PMID: 23975875). In summary, the currently available evidence indicates that the variant is pathogenic, but additional data are needed to prove that conclusively. Therefore, this variant has been classified as Likely Pathogenic.

Literature cited by the submitters: PubMed 31727422; PubMed 25589632; PubMed 23975875.